The following is an entry in ClinVar:

ClinVar aggregate classification (germline): Uncertain significance (1 of 4 stars; one submission).

Conditions:
Early-infantile DEE. Also called: Early infantile epileptic encephalopathy; Ohtahara syndrome; Early infantile epileptic encephalopathy with suppression bursts. Identifiers: Orphanet 1934, MedGen C0393706, MONDO:0800491.

Allele frequency attached by ClinVar (database versions not stated): TOPMed 0.00001.

Submission:

Labcorp Genetics (formerly Invitae), Labcorp
Classification: Uncertain significance for Early-infantile DEE. Last evaluated: 2022-07-13. Review status: criteria provided, single submitter. Criteria: Invitae Variant Classification Sherloc (09022015). Collection method: clinical testing. Allele origin: germline.
Comment: In summary, the available evidence is currently insufficient to determine the role of this variant in disease. Therefore, it has been classified as a Variant of Uncertain Significance. Algorithms developed to predict the effect of missense changes on protein structure and function (SIFT, PolyPhen-2, Align-GVGD) all suggest that this variant is likely to be disruptive. This variant has not been reported in the literature in individuals affected with SPTAN1-related conditions. This variant is not present in population databases (gnomAD no frequency). This sequence change replaces alanine, which is neutral and non-polar, with valine, which is neutral and non-polar, at codon 828 of the SPTAN1 protein (p.Ala828Val).

NM_001130438.3(SPTAN1):c.2483C>T (p.Ala828Val)

Gene: SPTAN1 (spectrin alpha, non-erythrocytic 1; plus strand). Cytogenetic location: 9q34.11.
Variant type: single nucleotide variant.
Coding change: c.2483C>T on transcript NM_001130438.3 (MANE Select); coding-DNA position 2483, C replaced by T.
Protein change: p.Ala828Val; replaces alanine 828 with valine.
Molecular consequence: missense variant.
Genome position (GRCh38, 1-based): chr9:128,584,766, C>T. VCF-style: chr9-128584766-C-T. GRCh37 (hg19) VCF-style: chr9-131347045-C-T.
Other names: c.2483C>T, p.Ala828Val (NM_001195532.2, NM_001363759.2, NM_001363765.2 and 5 more transcripts); c.2519C>T, p.Ala840Val (NM_001375312.2, NM_001375318.1); short protein forms A840V, A828V.
Identifiers: ClinVar variation 1919254 (VCV001919254.5), dbSNP rs1465130950, ClinGen allele CA375057855.